The following is an entry in ClinVar:

ClinVar aggregate classification (germline): Conflicting classifications of pathogenicity. Review status: criteria provided, conflicting classifications (1 of 4 stars). 4 submissions from 4 submitters: Uncertain significance (2); Likely benign (2). Last evaluated 2026-09-01.

Conditions:
Bethlem myopathy 1A. Also called: Bethlem Muscular Dystrophy; MYOPATHY, BENIGN CONGENITAL, WITH CONTRACTURES; Bethlem myopathy 1. Identifiers: Orphanet 610, MedGen CN029274, MONDO:0024530, OMIM 158810.

Allele frequency attached by ClinVar (database versions not stated): gnomAD exomes 0.00014 and 0.00037; ExAC 0.00044; gnomAD 0.00075 and 0.00080.
gnomAD v4.1: 152 of 1,068,780 alleles (0.014%); highest among the groups gnomAD compares: Admixed American, 0.086%; no homozygotes.

Submissions (5):

CeGaT Center for Human Genetics Tuebingen
Classification: Likely benign. Last evaluated: 2026-09-01. Review status: criteria provided, single submitter. Criteria: CeGaT Center For Human Genetics Tuebingen Variant Classification Criteria Version 2. Collection method: clinical testing. Allele origin: germline. Affected: yes. Observed: 10 variant alleles.
Comment: COL6A1: BP4, BP7

Labcorp Genetics (formerly Invitae), Labcorp
Classification: Likely benign for Bethlem myopathy 1A. Last evaluated: 2025-12-08. Review status: criteria provided, single submitter. Criteria: Invitae Variant Classification Sherloc (09022015). Collection method: clinical testing. Allele origin: germline.

GeneDx
Classification: Uncertain significance. Last evaluated: 2017-12-08. Review status: criteria provided, single submitter. Criteria: GeneDx Variant Classification (06012015). Collection method: clinical testing. Allele origin: germline. Affected: yes.
Comment: The c.996 C>T variant has not been published as a pathogenic variant, nor has it been reported as a benign variant to our knowledge. The c.996 C>T variant is observed in 18/23704 (0.1%) alleles from individuals of Latino background, in large population cohorts (Lek et al., 2016). Several splice prediction algorithms are inconsistent in their predictions as to whether or not the c.996C>T alteration damages the natural donor site in intron 13 or introduces a cryptic donor site in exon 13. However, in the absence of RNA/functional studies, the actual effect of this sequence change in this individual is unknown. Therefore, based on the currently available information, it is unclear whether this variant is a pathogenic variant or a rare benign variant.

Eurofins Ntd Llc (ga)
Classification: Uncertain significance. Last evaluated: 2017-10-10. Review status: criteria provided, single submitter. Criteria: EGL Classification Definitions 2015. Collection method: clinical testing. Allele origin: germline. Observed: 5 variant alleles, 5 heterozygotes.

Dr. Peter K. Rogan Lab, Western University
No classification provided (evidence only). Condition: Melanoma. Review status: no classification provided. Collection method: in vitro. Allele origin: not applicable. Functional consequence: retained intron. Not counted in ClinVar's aggregate classification.

NM_001848.3(COL6A1):c.996C>T (p.Gly332=)

Gene: COL6A1 (collagen type VI alpha 1 chain; plus strand). Cytogenetic location: 21q22.3.
Variant type: single nucleotide variant.
Coding change: c.996C>T on transcript NM_001848.3 (MANE Select); coding-DNA position 996, C replaced by T.
Protein change: p.Gly332=; no amino-acid change (glycine 332 retained).
Molecular consequence: synonymous variant.
Genome position (GRCh38, 1-based): chr21:45,990,416, C>T. VCF-style: chr21-45990416-C-T. GRCh37 (hg19) VCF-style: chr21-47410330-C-T.
Identifiers: ClinVar variation 282660 (VCV000282660.46), dbSNP rs11702055, ClinGen allele CA10069954.